The following is an entry in ClinVar:

NM_001388067.1(MIPOL1):c.1262+18239T>G

Gene: MIPOL1 (mirror-image polydactyly 1; plus strand). Cytogenetic location: 14q21.1.
Variant type: single nucleotide variant.
Coding change: c.1262+18239T>G on transcript NM_001388067.1 (MANE Select); 18239 bases into the intron after coding-DNA position 1262, T replaced by G.
Molecular consequence: intron variant.
Genome position (GRCh38, 1-based): chr14:37,518,377, T>G. VCF-style: chr14-37518377-T-G. GRCh37 (hg19) VCF-style: chr14-37987582-T-G.
Other names: c.1262+18239T>G (NM_001195296.2, NM_001195297.2, NM_138731.7 and 1 more transcripts); c.1169+18239T>G (NM_001388071.1, NM_001388070.1, NM_001388072.1); c.1061+18239T>G (NM_001388074.1, NM_001388075.1); c.1032-28528T>G (NM_001388077.1); c.1154+18239T>G (NM_001388073.1); c.1263-2581T>G (NM_001388069.1).
Identifiers: ClinVar variation 3389482 (VCV003389482.14).

ClinVar aggregate classification (germline): Benign (1 of 4 stars; one submission).

gnomAD v4.1: 1,067 of 152,304 alleles (0.7%); highest among the groups gnomAD compares: African/African-American, 2.5%; 12 homozygotes.

Submission:

CeGaT Center for Human Genetics Tuebingen
Classification: Benign. Last evaluated: 2024-09-01. Review status: criteria provided, single submitter. Criteria: CeGaT Center For Human Genetics Tuebingen Variant Classification Criteria Version 2. Collection method: clinical testing. Allele origin: germline. Affected: yes. Observed: 1 variant allele.
Comment: MIPOL1: BS1, BS2